The following is an entry in ClinVar:

NM_005235.3(ERBB4):c.2644-4A>G

Gene: ERBB4 (erb-b2 receptor tyrosine kinase 4; minus strand). Cytogenetic location: 2q34.
Variant type: single nucleotide variant.
Coding change: c.2644-4A>G on transcript NM_005235.3 (MANE Select); 4 bases into the intron before coding-DNA position 2644, A replaced by G.
Molecular consequence: intron variant.
Genome position (GRCh38, 1-based): chr2:211,428,487, T>C on the plus strand (A>G on the coding strand, the complement: ERBB4 is on the minus strand). VCF-style: chr2-211428487-T-C. GRCh37 (hg19) VCF-style: chr2-212293212-T-C.
Other names: c.2644-4A>G (NM_001042599.2); c.2614-4A>G (NM_001439006.1, NM_001439005.1).
Identifiers: ClinVar variation 1541966 (VCV001541966.10), dbSNP rs773220688, ClinGen allele CA2087667.

ClinVar aggregate classification (germline): Likely benign. Review status: criteria provided, single submitter (1 of 4 stars). 2 submissions from 2 submitters: Likely benign (1). 1 of the submissions does not count toward it. Last evaluated 2025-04-07.

Conditions:
ERBB4-related disorder. Also called: ERBB4-related condition.

Allele frequency attached by ClinVar (database versions not stated): gnomAD 0.00001; gnomAD exomes 0.00002 and 0.00006; TOPMed 0.00002; ExAC 0.00007.
gnomAD v4.1: 35 of 1,498,408 alleles (0.0023%); highest among the groups gnomAD compares: Middle Eastern, 0.1%; no homozygotes.

Submissions (2):

Labcorp Genetics (formerly Invitae), Labcorp
Classification: Likely benign. Last evaluated: 2025-04-07. Review status: criteria provided, single submitter. Criteria: Invitae Variant Classification Sherloc (09022015). Collection method: clinical testing. Allele origin: germline.

PreventionGenetics, part of Exact Sciences
Classification: Likely benign for ERBB4-related condition. Last evaluated: 2019-07-12. Review status: no assertion criteria provided. Collection method: clinical testing. Allele origin: germline. Not counted in ClinVar's aggregate classification.
Comment: This variant is classified as likely benign based on ACMG/AMP sequence variant interpretation guidelines (Richards et al. 2015 PMID: 25741868, with internal and published modifications).